The following is an entry in ClinVar:

NM_004444.5(EPHB4):c.2635del (p.Arg879fs)

Genes: EPHB4 (EPH receptor B4; minus strand), LOC126860124 (CDK7 strongly-dependent group 2 enhancer GRCh37_chr7:100403701-100404900; plus strand). Cytogenetic location: 7q22.1.
Variant type: Deletion.
Coding change: c.2635del on transcript NM_004444.5 (MANE Select); coding-DNA position 2635, one base deleted (C; older notation c.2635delC).
Protein change: p.Arg879fs; shifts the reading frame from arginine 879.
Molecular consequence: frameshift variant.
Genome position (GRCh38, 1-based): chr7:100,805,544, G deleted on the plus strand (C on the coding strand, the reverse complement: EPHB4 is on the minus strand); the first of 2 consecutive G bases (chr7:100,805,544-100,805,545); deleting either gives the same sequence. VCF-style (leftmost placement, unchanged base first): chr7-100805543-CG-C. GRCh37 (hg19) VCF-style: chr7-100403165-CG-C.
Other names: short protein forms R879fs.
Identifiers: ClinVar variation 4823555 (VCV004823555.4).

ClinVar aggregate classification (germline): Likely pathogenic (1 of 4 stars; one submission).

Submission:

CeGaT Center for Human Genetics Tuebingen
Classification: Likely pathogenic. Last evaluated: 2026-02-01. Review status: criteria provided, single submitter. Criteria: CeGaT Center For Human Genetics Tuebingen Variant Classification Criteria Version 2. Collection method: clinical testing. Allele origin: germline. Affected: yes. Observed: 1 variant allele.
Comment: EPHB4: PVS1:Strong, PM2